The following is an entry in ClinVar:

ClinVar aggregate classification (germline): Uncertain significance (1 of 4 stars; one submission).

Conditions:
Peroxisome biogenesis disorder 11A (Zellweger). Also called: Peroxisome biogenesis disorder 11A. Identifiers: Orphanet 912, MedGen C3554000, MONDO:0013949, OMIM 614883.

Allele frequency attached by ClinVar (database versions not stated): ExAC 0.00001; gnomAD 0.00001; TOPMed 0.00001; ESP Exome Variant Server 0.00008.
gnomAD v4.1: 9 of 1,614,062 alleles (0.00056%); highest among the groups gnomAD compares: East Asian, 0.0022%; no homozygotes.

Submission:

Labcorp Genetics (formerly Invitae), Labcorp
Classification: Uncertain significance for Peroxisome biogenesis disorder 11A (Zellweger). Last evaluated: 2022-06-19. Review status: criteria provided, single submitter. Criteria: Invitae Variant Classification Sherloc (09022015). Collection method: clinical testing. Allele origin: germline.
Comment: This sequence change replaces isoleucine, which is neutral and non-polar, with valine, which is neutral and non-polar, at codon 55 of the PEX13 protein (p.Ile55Val). This variant is present in population databases (rs149157399, gnomAD 0.0009%). This variant has not been reported in the literature in individuals affected with PEX13-related conditions. Algorithms developed to predict the effect of missense changes on protein structure and function output the following: SIFT: "Tolerated"; PolyPhen-2: "Benign"; Align-GVGD: "Class C0". The valine amino acid residue is found in multiple mammalian species, which suggests that this missense change does not adversely affect protein function. In summary, the available evidence is currently insufficient to determine the role of this variant in disease. Therefore, it has been classified as a Variant of Uncertain Significance.

NM_002618.4(PEX13):c.163A>G (p.Ile55Val)

Gene: PEX13 (peroxisomal biogenesis factor 13; plus strand). Cytogenetic location: 2p15.
Variant type: single nucleotide variant.
Coding change: c.163A>G on transcript NM_002618.4 (MANE Select); coding-DNA position 163, A replaced by G.
Protein change: p.Ile55Val; replaces isoleucine 55 with valine.
Molecular consequence: missense variant.
Genome position (GRCh38, 1-based): chr2:61,031,489, A>G. VCF-style: chr2-61031489-A-G. GRCh37 (hg19) VCF-style: chr2-61258624-A-G.
Other names: short protein forms I55V.
Identifiers: ClinVar variation 1990664 (VCV001990664.1), dbSNP rs149157399, ClinGen allele CA1673253.
Genomic context (GRCh38, chr2:61,031,489, plus strand): 5'-TTGGGTCCTACTTTAATGACAAGACCTGGACAACCAGCACTTACCAGAGTGCCCCCACCT[A>G]TTCTTCCAAGGCCATCACAGCAGACAGGAAGTAGCAGTGTGAACACTTTTAGACCTGCTT-3'
Protein context (NP_002609.1, residues 45-65): QPALTRVPPP[Ile55Val]LPRPSQQTGS